The following is an entry in ClinVar:

ClinVar aggregate classification (germline): Uncertain significance (1 of 4 stars; one submission).

Conditions:
Autosomal recessive ataxia, Beauce type. Also called: SYNE1-Related Autosomal Recessive Cerebellar Ataxia; Spinocerebellar ataxia, autosomal recessive 8; ATAXIA, RECESSIVE, OF BEAUCE; SYNE1 Deficiency. Identifiers: Orphanet 88644, MedGen C1853116, MONDO:0012549, OMIM 610743.
Emery-Dreifuss muscular dystrophy 4, autosomal dominant (EDMD4). Also called: EMERY-DREIFUSS MUSCULAR DYSTROPHY 4 WITH VARIABLE FEATURES. Identifiers: Orphanet 261, MedGen C2751807, MONDO:0013071, OMIM 612998.

Submission:

Labcorp Genetics (formerly Invitae), Labcorp
Classification: Uncertain significance for Emery-Dreifuss muscular dystrophy 4, autosomal dominant; Autosomal recessive ataxia, Beauce type. Last evaluated: 2024-06-03. Review status: criteria provided, single submitter. Criteria: Invitae Variant Classification Sherloc (09022015). Collection method: clinical testing. Allele origin: germline.
Comment: This sequence change replaces glutamine, which is neutral and polar, with histidine, which is basic and polar, at codon 6833 of the SYNE1 protein (p.Gln6833His). This variant also falls at the last nucleotide of exon 111, which is part of the consensus splice site for this exon. This variant is not present in population databases (gnomAD no frequency). This variant has not been reported in the literature in individuals affected with SYNE1-related conditions. ClinVar contains an entry for this variant (Variation ID: 2153722). An algorithm developed to predict the effect of missense changes on protein structure and function (PolyPhen-2) suggests that this variant is likely to be disruptive. Variants that disrupt the consensus splice site are a relatively common cause of aberrant splicing (PMID: 17576681, 9536098). Algorithms developed to predict the effect of sequence changes on RNA splicing suggest that this variant may disrupt the consensus splice site. In summary, the available evidence is currently insufficient to determine the role of this variant in disease. Therefore, it has been classified as a Variant of Uncertain Significance.

Literature cited by the submitters: PubMed 17576681; PubMed 9536098.

NM_182961.4(SYNE1):c.20712G>T (p.Gln6904His)

Gene: SYNE1 (spectrin repeat containing nuclear envelope protein 1; minus strand). Cytogenetic location: 6q25.2.
Variant type: single nucleotide variant.
Coding change: c.20712G>T on transcript NM_182961.4 (MANE Select); coding-DNA position 20712, G replaced by T.
Protein change: p.Gln6904His; replaces glutamine 6904 with histidine.
Molecular consequence: missense variant.
Genome position (GRCh38, 1-based): chr6:152,233,781, C>A on the plus strand (G>T on the coding strand, the complement: SYNE1 is on the minus strand). VCF-style: chr6-152233781-C-A. GRCh37 (hg19) VCF-style: chr6-152554916-C-A.
Other names: c.20499G>T, p.Gln6833His (NM_033071.5); short protein forms Q6833H, Q6904H.
Identifiers: ClinVar variation 2153722 (VCV002153722.4), dbSNP rs2551673216, ClinGen allele CA366117332.